The following is an entry in ClinVar:

NM_001330260.2(SCN8A):c.707-15A>T

Gene: SCN8A (sodium voltage-gated channel alpha subunit 8; plus strand). Cytogenetic location: 12q13.13.
Variant type: single nucleotide variant.
Coding change: c.707-15A>T on transcript NM_001330260.2 (MANE Select); 15 bases into the intron before coding-DNA position 707, A replaced by T.
Molecular consequence: intron variant.
Genome position (GRCh38, 1-based): chr12:51,699,555, A>T. VCF-style: chr12-51699555-A-T. GRCh37 (hg19) VCF-style: chr12-52093339-A-T.
Other names: c.707-15A>T (NM_014191.4, NM_001177984.3, NM_001369788.1).
Identifiers: ClinVar variation 378554 (VCV000378554.12), dbSNP rs149586118, ClinGen allele CA6571148.

ClinVar aggregate classification (germline): Benign/Likely benign. Review status: criteria provided, multiple submitters, no conflicts (2 of 4 stars). 4 submissions from 4 submitters: Benign (2); Likely benign (2). Last evaluated 2026-06-10.

Conditions:
Early-infantile DEE. Also called: Early infantile epileptic encephalopathy; Ohtahara syndrome; Early infantile epileptic encephalopathy with suppression bursts. Identifiers: Orphanet 1934, MedGen C0393706, MONDO:0800491.

Allele frequency attached by ClinVar (database versions not stated): gnomAD exomes 0.00007; ExAC 0.00009; ESP Exome Variant Server 0.00024; gnomAD 0.00030 and 0.00032; 1000 Genomes Project 30x 0.00031; 1000 Genomes Project 0.00040; TOPMed 0.00043.
gnomAD v4.1: 109 of 1,596,182 alleles (0.0068%); highest among the groups gnomAD compares: African/African-American, 0.13%; 1 homozygote.

Submissions (4):

Women's Health and Genetics/Laboratory Corporation of America, LabCorp
Classification: Likely benign. Last evaluated: 2026-06-10. Review status: criteria provided, single submitter. Criteria: LabCorp Variant Classification Summary - May 2015. Collection method: clinical testing. Allele origin: germline.

Labcorp Genetics (formerly Invitae), Labcorp
Classification: Benign for Early-infantile DEE. Last evaluated: 2025-12-21. Review status: criteria provided, single submitter. Criteria: Invitae Variant Classification Sherloc (09022015). Collection method: clinical testing. Allele origin: germline.

Blueprint Genetics
Classification: Likely benign. Last evaluated: 2022-04-05. Review status: criteria provided, single submitter. Criteria: ACMG Guidelines, 2015. Collection method: clinical testing. Allele origin: germline.

GeneDx
Classification: Benign. Last evaluated: 2015-08-18. Review status: criteria provided, single submitter. Criteria: GeneDx Variant Classification (06012015). Collection method: clinical testing. Allele origin: germline. Affected: yes.
Comment: This variant is considered likely benign or benign based on one or more of the following criteria: it is a conservative change, it occurs at a poorly conserved position in the protein, it is predicted to be benign by multiple in silico algorithms, and/or has population frequency not consistent with disease.